The following is an entry in ClinVar:

NM_174878.3(CLRN1):c.10C>T (p.Gln4Ter)

Genes: CLRN1 (clarin 1; minus strand), CLRN1-AS1 (CLRN1 antisense RNA 1; plus strand). Cytogenetic location: 3q25.1.
Variant type: single nucleotide variant.
Coding change: c.10C>T on transcript NM_174878.3 (MANE Select); coding-DNA position 10, C replaced by T.
Protein change: p.Gln4Ter; replaces glutamine 4 with a stop codon.
Molecular consequence: nonsense. On other transcripts: non-coding transcript variant (2).
Genome position (GRCh38, 1-based): chr3:150,972,699, G>A on the plus strand (C>T on the coding strand, the complement: CLRN1 is on the minus strand). VCF-style: chr3-150972699-G-A. GRCh37 (hg19) VCF-style: chr3-150690486-G-A.
Other names: c.10C>T, p.Gln4Ter (NM_001195794.1, NM_001256819.2); short protein forms Q4*.
Identifiers: ClinVar variation 4816960 (VCV004816960.1).
Genomic context (GRCh38, chr3:150,972,699, plus strand): 5'-CTCCGAGGGCACATGCAAAACTGAACACTCCGGCCATGCAAAAAATGATTTTCTTCTGTT[G>A]GCTTGGCATGATGAGAAACGGCTTCTGTGAGGGCGAGGTTCAAAAACAAGACCTTTGTGA-3'

ClinVar aggregate classification (germline): Likely pathogenic (1 of 4 stars; one submission).

Conditions:
Usher syndrome type 3. Also called: Usher Syndrome, Type III. Identifiers: Orphanet 231183, MedGen C1568248, MONDO:0016485.

Submission:

Natera, Inc.
Classification: Likely pathogenic for Usher syndrome type 3. Last evaluated: 2024-12-20. Review status: criteria provided, single submitter. Criteria: Natera Variant Classification Schema (03/2026). Collection method: clinical testing. Allele origin: germline.
Comment: The c.10C>T variant in CLRN1 is a nonsense variant predicted to introduce a stop codon at amino acid 4. This variant is expected to result in nonsense mediated decay, truncation, or a dysfunctional protein product. This variant is rare in the general population with a frequency below the threshold expected for the associated phenotype(s). Given the available evidence, this variant is classified as Likely Pathogenic.